The following is an entry in ClinVar:

NM_152383.5(DIS3L2):c.1060T>C (p.Cys354Arg)

Gene: DIS3L2 (DIS3 like 3'-5' exoribonuclease 2; plus strand). Cytogenetic location: 2q37.1.
Variant type: single nucleotide variant.
Coding change: c.1060T>C on transcript NM_152383.5 (MANE Select); coding-DNA position 1060, T replaced by C.
Protein change: p.Cys354Arg; replaces cysteine 354 with arginine.
Molecular consequence: missense variant. On other transcripts: non-coding transcript variant (2).
Genome position (GRCh38, 1-based): chr2:232,163,568, T>C. VCF-style: chr2-232163568-T-C. GRCh37 (hg19) VCF-style: chr2-233028278-T-C.
Other names: c.1060T>C, p.Cys354Arg (NM_001257281.2); short protein forms C354R.
Identifiers: ClinVar variation 1443774 (VCV001443774.6), dbSNP rs2106377228, ClinGen allele CA351154393.

ClinVar aggregate classification (germline): Uncertain significance (1 of 4 stars; one submission).

Conditions:
Perlman syndrome (PRLMNS). Identifiers: Orphanet 2849, MedGen C0796113, MONDO:0009965, OMIM 267000.

Submission:

Labcorp Genetics (formerly Invitae), Labcorp
Classification: Uncertain significance for Perlman syndrome. Last evaluated: 2025-02-26. Review status: criteria provided, single submitter. Criteria: Invitae Variant Classification Sherloc (09022015). Collection method: clinical testing. Allele origin: germline.
Comment: This sequence change replaces cysteine, which is neutral and slightly polar, with arginine, which is basic and polar, at codon 354 of the DIS3L2 protein (p.Cys354Arg). This variant is not present in population databases (gnomAD no frequency). This variant has not been reported in the literature in individuals affected with DIS3L2-related conditions. ClinVar contains an entry for this variant (Variation ID: 1443774). Invitae Evidence Modeling of protein sequence and biophysical properties (such as structural, functional, and spatial information, amino acid conservation, physicochemical variation, residue mobility, and thermodynamic stability) indicates that this missense variant is expected to disrupt DIS3L2 protein function with a positive predictive value of 80%. In summary, the available evidence is currently insufficient to determine the role of this variant in disease. Therefore, it has been classified as a Variant of Uncertain Significance.